The following is an entry in ClinVar:

NM_000051.4(ATM):c.7442A>G (p.Asp2481Gly)

Genes: ATM (ATM serine/threonine kinase; plus strand), C11orf65 (chromosome 11 open reading frame 65; minus strand). Cytogenetic location: 11q22.3.
Variant type: single nucleotide variant.
Coding change: c.7442A>G on transcript NM_000051.4 (MANE Select); coding-DNA position 7442, A replaced by G.
Protein change: p.Asp2481Gly; replaces aspartic acid 2481 with glycine.
Molecular consequence: missense variant. On other transcripts: intron variant (2).
Genome position (GRCh38, 1-based): chr11:108,330,348, A>G. VCF-style: chr11-108330348-A-G. GRCh37 (hg19) VCF-style: chr11-108201075-A-G.
Other names: c.7442A>G, p.Asp2481Gly (NM_001351834.2); c.641-21277T>C (NM_001330368.2); c.*38+4872T>C (NM_001351110.2); short protein forms D2481G.
Identifiers: ClinVar variation 840515 (VCV000840515.11), dbSNP rs2086128087, ClinGen allele CA382560303.
Genomic context (GRCh38, chr11:108,330,348, plus strand): 5'-GCTTCTTATGTAAAGCAGTTGAAAATTATATCAACTGCTTATTAAGTGGAGAAGAACATG[A>G]TATGTGGGTATTCCGACTTTGTTCCCTCTGGCTTGAAAATTCTGGAGTTTCTGAAGTCAA-3'
Protein context (NP_000042.3, residues 2471-2491): INCLLSGEEH[Asp2481Gly]MWVFRLCSLW

ClinVar aggregate classification (germline): Uncertain significance. Review status: criteria provided, multiple submitters, no conflicts (2 of 4 stars). 2 submissions from 2 submitters: Uncertain significance (2). Last evaluated 2025-05-02.

Conditions:
Hereditary cancer-predisposing syndrome. Also called: Tumor predisposition; Neoplastic Syndromes, Hereditary; Hereditary Cancer Syndrome; Hereditary neoplastic syndrome. Identifiers: Orphanet 140162, MedGen C0027672, MeSH D009386, MONDO:0015356.
Ataxia-telangiectasia syndrome (AT). Also called: ATAXIA-TELANGIECTASIA, COMPLEMENTATION GROUP A; ATAXIA-TELANGIECTASIA, FRESNO VARIANT; Ataxia-telangiectasia; Ataxia-telangiectasia, complementation group D; AT, COMPLEMENTATION GROUP C; Ataxia-telangiectasia, complementation group E. Identifiers: Orphanet 100, MedGen C0004135, MONDO:0008840, OMIM 208900.

Allele frequency attached by ClinVar (database versions not stated): gnomAD exomes below 0.00001.
gnomAD v4.1: 1 of 1,614,196 alleles (0.000062%); highest among the groups gnomAD compares: Non-Finnish European, 0.000085%; no homozygotes.

Submissions (2):

Ambry Genetics
Classification: Uncertain significance for Hereditary cancer-predisposing syndrome. Last evaluated: 2025-05-02. Review status: criteria provided, single submitter. Criteria: Ambry Variant Classification Scheme 2023. Collection method: clinical testing. Allele origin: germline.
Comment: The p.D2481G variant (also known as c.7442A>G), located in coding exon 49 of the ATM gene, results from an A to G substitution at nucleotide position 7442. The aspartic acid at codon 2481 is replaced by glycine, an amino acid with similar properties. This amino acid position is highly conserved in available vertebrate species. In addition, this alteration is predicted to be deleterious by in silico analysis. Based on the available evidence, the clinical significance of this variant remains unclear.

Labcorp Genetics (formerly Invitae), Labcorp
Classification: Uncertain significance for Ataxia-telangiectasia syndrome. Last evaluated: 2023-06-15. Review status: criteria provided, single submitter. Criteria: Invitae Variant Classification Sherloc (09022015). Collection method: clinical testing. Allele origin: germline.
Comment: This variant has not been reported in the literature in individuals affected with ATM-related conditions. ClinVar contains an entry for this variant (Variation ID: 840515). An algorithm developed to predict the effect of missense changes on protein structure and function (PolyPhen-2) suggests that this variant is likely to be disruptive. RNA analysis performed to evaluate the impact of this missense change on mRNA splicing indicates it does not significantly alter splicing (Invitae). In summary, the available evidence is currently insufficient to determine the role of this variant in disease. Therefore, it has been classified as a Variant of Uncertain Significance. This variant is not present in population databases (gnomAD no frequency). This sequence change replaces aspartic acid, which is acidic and polar, with glycine, which is neutral and non-polar, at codon 2481 of the ATM protein (p.Asp2481Gly).